The following is an entry in ClinVar:

NM_001127208.3(TET2):c.3656A>G (p.His1219Arg)

Genes: TET2 (tet methylcytosine dioxygenase 2; plus strand), TET2-AS1 (TET2 antisense RNA 1; minus strand). Cytogenetic location: 4q24.
Variant type: single nucleotide variant.
Coding change: c.3656A>G on transcript NM_001127208.3 (MANE Select); coding-DNA position 3656, A replaced by G.
Protein change: p.His1219Arg; replaces histidine 1219 with arginine.
Molecular consequence: missense variant.
Genome position (GRCh38, 1-based): chr4:105,243,631, A>G. VCF-style: chr4-105243631-A-G. GRCh37 (hg19) VCF-style: chr4-106164788-A-G.
Other names: short protein forms H1219R.
Identifiers: ClinVar variation 3657125 (VCV003657125.2).

ClinVar aggregate classification (germline): Uncertain significance (1 of 4 stars; one submission).

Submission:

Labcorp Genetics (formerly Invitae), Labcorp
Classification: Uncertain significance. Last evaluated: 2024-06-19. Review status: criteria provided, single submitter. Criteria: Invitae Variant Classification Sherloc (09022015). Collection method: clinical testing. Allele origin: germline.
Comment: This sequence change replaces histidine, which is basic and polar, with arginine, which is basic and polar, at codon 1219 of the TET2 protein (p.His1219Arg). This variant is not present in population databases (gnomAD no frequency). This variant has not been reported in the literature in individuals affected with TET2-related conditions. An algorithm developed to predict the effect of missense changes on protein structure and function (PolyPhen-2) suggests that this variant is likely to be disruptive. In summary, the available evidence is currently insufficient to determine the role of this variant in disease. Therefore, it has been classified as a Variant of Uncertain Significance.